The following is an entry in ClinVar:

NM_001378778.1(MPDZ):c.1338_1341dup (p.Leu448fs)

Gene: MPDZ (multiple PDZ domain crumbs cell polarity complex component; minus strand). Cytogenetic location: 9p23.
Variant type: Duplication.
Coding change: c.1338_1341dup on transcript NM_001378778.1 (MANE Select); coding-DNA positions 1338 to 1341, 4 bases duplicated (GGTA; older notation c.1338_1341dupGGTA).
Protein change: p.Leu448fs; shifts the reading frame from leucine 448.
Molecular consequence: frameshift variant.
Genome position (GRCh38, 1-based): chr9:13,206,049-13,206,052, TACC duplicated on the plus strand (GGTA on the coding strand, the reverse complement: MPDZ is on the minus strand); duplicating any 4 consecutive bases within chr9:13,206,049-13,206,053 gives the same sequence; the c. name uses the placement nearest the transcript's 3' end. VCF-style (leftmost placement, unchanged base first): chr9-13206048-A-ATACC. GRCh37 (hg19) VCF-style: chr9-13206047-A-ATACC.
Other names: c.1338_1341dup, p.Leu448fs (NM_001375421.1, NM_001375422.1, NM_001375423.1 and 14 more transcripts); c.1338_1341dupGGTA (NM_003829.4); short protein forms L448fs.
Identifiers: ClinVar variation 1068747 (VCV001068747.11), dbSNP rs2135678282, ClinGen allele CA2499219686.
Genomic context (GRCh38, chr9:13,206,048, plus strand): 5'-CTTCCTGCTTCATTCCTCTCCTCATTAGTGTCAGGAGCACAGTTTGTCCTGTATGTCGCA[A>ATACC]TACCTCTACTGCTTGCTGATTAGTAAAACCCTGAAGGTTTGTGCCATCTACCTGTGATTA-3'

ClinVar aggregate classification (germline): Pathogenic/Likely pathogenic. Review status: criteria provided, multiple submitters, no conflicts (2 of 4 stars). 3 submissions from 3 submitters: Pathogenic (1); Likely pathogenic (1). 1 of the submissions does not count toward it. Last evaluated 2022-08-09.

Conditions:
MPDZ-related disorder. Also called: MPDZ-related condition.
Hydrocephalus, nonsyndromic, autosomal recessive 2. Also called: Hydrocephalus, congenital, 2, with or without brain or eye anomalies. Identifiers: Orphanet 2185, MedGen C3554691, MONDO:0014085, OMIM 615219.

Submissions (3):

Labcorp Genetics (formerly Invitae), Labcorp
Classification: Pathogenic. Last evaluated: 2022-08-09. Review status: criteria provided, single submitter. Criteria: Invitae Variant Classification Sherloc (09022015). Collection method: clinical testing. Allele origin: germline.
Comment: ClinVar contains an entry for this variant (Variation ID: 1068747). For these reasons, this variant has been classified as Pathogenic. Algorithms developed to predict the effect of sequence changes on RNA splicing suggest that this variant may create or strengthen a splice site. This variant has not been reported in the literature in individuals affected with MPDZ-related conditions. This variant is not present in population databases (gnomAD no frequency). This sequence change creates a premature translational stop signal (p.Leu448Glyfs*40) in the MPDZ gene. It is expected to result in an absent or disrupted protein product. Loss-of-function variants in MPDZ are known to be pathogenic (PMID: 23240096, 28556411).

Revvity Omics, Revvity
Classification: Likely pathogenic for Hydrocephalus, nonsyndromic, autosomal recessive 2. Last evaluated: 2021-10-08. Review status: criteria provided, single submitter. Criteria: ACMG Guidelines, 2015. Collection method: clinical testing. Allele origin: germline.

PreventionGenetics, part of Exact Sciences
Classification: Likely pathogenic for MPDZ-related condition. Last evaluated: 2024-05-07. Review status: no assertion criteria provided. Collection method: clinical testing. Allele origin: germline. Not counted in ClinVar's aggregate classification.
Comment: The MPDZ c.1338_1341dupGGTA variant is predicted to result in a frameshift and premature protein termination (p.Leu448Glyfs*40). To our knowledge, this variant has not been reported in the literature or a large population database, indicating this variant is rare. Frameshift variants in MPDZ are expected to be pathogenic. This variant is interpreted as likely pathogenic.

Literature cited by the submitters: PubMed 23240096 (cited by Labcorp Genetics (formerly Invitae), Labcorp); PubMed 28556411 (cited by Labcorp Genetics (formerly Invitae), Labcorp).